The following is an entry in ClinVar:

NM_001029883.3(PCARE):c.3271C>G (p.Pro1091Ala)

Gene: PCARE (photoreceptor cilium actin regulator; minus strand). Cytogenetic location: 2p23.2.
Variant type: single nucleotide variant.
Coding change: c.3271C>G on transcript NM_001029883.3 (MANE Select); coding-DNA position 3271, C replaced by G.
Protein change: p.Pro1091Ala; replaces proline 1091 with alanine.
Molecular consequence: missense variant.
Genome position (GRCh38, 1-based): chr2:29,070,991, G>C on the plus strand (C>G on the coding strand, the complement: PCARE is on the minus strand). VCF-style: chr2-29070991-G-C. GRCh37 (hg19) VCF-style: chr2-29293857-G-C.
Other names: short protein forms P1091A.
Identifiers: ClinVar variation 1024266 (VCV001024266.6), dbSNP rs775685036, ClinGen allele CA44639702.

ClinVar aggregate classification (germline): Uncertain significance (1 of 4 stars; one submission).

Allele frequency attached by ClinVar (database versions not stated): TOPMed 0.00002.
gnomAD v4.1: 8 of 1,610,696 alleles (0.0005%); highest among the groups gnomAD compares: African/African-American, 0.011%; no homozygotes.

Submission:

Labcorp Genetics (formerly Invitae), Labcorp
Classification: Uncertain significance. Last evaluated: 2025-04-16. Review status: criteria provided, single submitter. Criteria: Invitae Variant Classification Sherloc (09022015). Collection method: clinical testing. Allele origin: germline.
Comment: This sequence change replaces proline, which is neutral and non-polar, with alanine, which is neutral and non-polar, at codon 1091 of the PCARE protein (p.Pro1091Ala). This variant is not present in population databases (gnomAD no frequency). This variant has not been reported in the literature in individuals affected with PCARE-related conditions. ClinVar contains an entry for this variant (Variation ID: 1024266). An algorithm developed to predict the effect of missense changes on protein structure and function (PolyPhen-2) suggests that this variant is likely to be tolerated. In summary, the available evidence is currently insufficient to determine the role of this variant in disease. Therefore, it has been classified as a Variant of Uncertain Significance.